The following is an entry in ClinVar:

NM_001261826.3(AP3D1):c.3532G>A (p.Val1178Ile)

Gene: AP3D1 (adaptor related protein complex 3 subunit delta 1; minus strand). Cytogenetic location: 19p13.3.
Variant type: single nucleotide variant.
Coding change: c.3532G>A on transcript NM_001261826.3 (MANE Select); coding-DNA position 3532, G replaced by A.
Protein change: p.Val1178Ile; replaces valine 1178 with isoleucine.
Molecular consequence: missense variant.
Genome position (GRCh38, 1-based): chr19:2,108,707, C>T on the plus strand (G>A on the coding strand, the complement: AP3D1 is on the minus strand). VCF-style: chr19-2108707-C-T. GRCh37 (hg19) VCF-style: chr19-2108706-C-T.
Other names: c.3496G>A, p.Val1166Ile (NM_001374799.1); c.3346G>A, p.Val1116Ile (NM_003938.8); short protein forms V1116I, V1166I, V1178I.
Identifiers: ClinVar variation 1963006 (VCV001963006.5), dbSNP rs1291937570, ClinGen allele CA403199467.

ClinVar aggregate classification (germline): Uncertain significance (1 of 4 stars; one submission).

Allele frequency attached by ClinVar (database versions not stated): TOPMed below 0.00001.

Submission:

Labcorp Genetics (formerly Invitae), Labcorp
Classification: Uncertain significance. Last evaluated: 2025-07-07. Review status: criteria provided, single submitter. Criteria: Invitae Variant Classification Sherloc (09022015). Collection method: clinical testing. Allele origin: germline.
Comment: This sequence change replaces valine, which is neutral and non-polar, with isoleucine, which is neutral and non-polar, at codon 1178 of the AP3D1 protein (p.Val1178Ile). The frequency data for this variant in the population databases is considered unreliable, as metrics indicate poor data quality at this position in the gnomAD database. This variant has not been reported in the literature in individuals affected with AP3D1-related conditions. ClinVar contains an entry for this variant (Variation ID: 1963006). An algorithm developed to predict the effect of missense changes on protein structure and function outputs the following: PolyPhen-2: "Benign". The isoleucine amino acid residue is found in multiple mammalian species, which suggests that this missense change does not adversely affect protein function. In summary, the available evidence is currently insufficient to determine the role of this variant in disease. Therefore, it has been classified as a Variant of Uncertain Significance.